The following is an entry in ClinVar:

ClinVar aggregate classification (germline): Uncertain significance. Review status: criteria provided, multiple submitters, no conflicts (2 of 4 stars). 2 submissions from 2 submitters: Uncertain significance (2). Last evaluated 2024-08-27.

Conditions:
Hereditary cancer-predisposing syndrome. Also called: Neoplastic Syndromes, Hereditary; Hereditary Cancer Syndrome; Hereditary neoplastic syndrome; Tumor predisposition. Identifiers: Orphanet 140162, MedGen C0027672, MeSH D009386, MONDO:0015356.
Gastrointestinal stromal tumor. Also called: Gastrointestinal stroma tumor; Gastrointestinal stromal tumor, somatic. Identifiers: Orphanet 44890, MedGen C0238198, MeSH D046152, MONDO:0011719, OMIM 606764, HP:0100723.

Allele frequency attached by ClinVar (database versions not stated): gnomAD exomes below 0.00001; ExAC 0.00001; gnomAD 0.00001; 1000 Genomes Project 30x 0.00016; 1000 Genomes Project 0.00020.
gnomAD v4.1: 1 of 1,613,768 alleles (0.000062%); highest among the groups gnomAD compares: Admixed American, 0.0017%; no homozygotes.

Submissions (2):

Labcorp Genetics (formerly Invitae), Labcorp
Classification: Uncertain significance for Gastrointestinal stromal tumor. Last evaluated: 2024-08-27. Review status: criteria provided, single submitter. Criteria: Invitae Variant Classification Sherloc (09022015). Collection method: clinical testing. Allele origin: germline.
Comment: This sequence change replaces tyrosine, which is neutral and polar, with histidine, which is basic and polar, at codon 754 of the PDGFRA protein (p.Tyr754His). This variant is present in population databases (rs536663502, gnomAD 0.003%). This variant has not been reported in the literature in individuals affected with PDGFRA-related conditions. ClinVar contains an entry for this variant (Variation ID: 407424). Invitae Evidence Modeling of protein sequence and biophysical properties (such as structural, functional, and spatial information, amino acid conservation, physicochemical variation, residue mobility, and thermodynamic stability) indicates that this missense variant is expected to disrupt PDGFRA protein function with a positive predictive value of 80%. In summary, the available evidence is currently insufficient to determine the role of this variant in disease. Therefore, it has been classified as a Variant of Uncertain Significance.

Ambry Genetics
Classification: Uncertain significance for Hereditary cancer-predisposing syndrome. Last evaluated: 2022-05-26. Review status: criteria provided, single submitter. Criteria: Ambry Variant Classification Scheme 2023. Collection method: clinical testing. Allele origin: germline.
Comment: The p.Y754H variant (also known as c.2260T>C), located in coding exon 15 of the PDGFRA gene, results from a T to C substitution at nucleotide position 2260. The tyrosine at codon 754 is replaced by histidine, an amino acid with similar properties. This amino acid position is conserved. In addition, the in silico prediction for this alteration is inconclusive. Since supporting evidence is limited at this time, the clinical significance of this alteration remains unclear.

NM_006206.6(PDGFRA):c.2260T>C (p.Tyr754His)

Gene: PDGFRA (platelet derived growth factor receptor alpha; plus strand). Cytogenetic location: 4q12.
Variant type: single nucleotide variant.
Coding change: c.2260T>C on transcript NM_006206.6 (MANE Select); coding-DNA position 2260, T replaced by C.
Protein change: p.Tyr754His; replaces tyrosine 754 with histidine.
Molecular consequence: missense variant.
Genome position (GRCh38, 1-based): chr4:54,280,419, T>C. VCF-style: chr4-54280419-T-C. GRCh37 (hg19) VCF-style: chr4-55146586-T-C.
Other names: c.2260T>C, p.Tyr754His (NM_001347827.2, NM_001347829.2); c.2335T>C, p.Tyr779His (NM_001347828.2); c.2299T>C, p.Tyr767His (NM_001347830.2); short protein forms Y754H, Y767H, Y779H.
Identifiers: ClinVar variation 407424 (VCV000407424.11), dbSNP rs536663502, ClinGen allele CA2922795.